The following is an entry in ClinVar:

NM_001814.6(CTSC):c.745G>T (p.Val249Phe)

Gene: CTSC (cathepsin C; minus strand). Cytogenetic location: 11q14.2.
Variant type: single nucleotide variant.
Coding change: c.745G>T on transcript NM_001814.6 (MANE Select); coding-DNA position 745, G replaced by T.
Protein change: p.Val249Phe; replaces valine 249 with phenylalanine.
Molecular consequence: missense variant.
Genome position (GRCh38, 1-based): chr11:88,300,542, C>A on the plus strand (G>T on the coding strand, the complement: CTSC is on the minus strand). VCF-style: chr11-88300542-C-A. GRCh37 (hg19) VCF-style: chr11-88033710-C-A.
Other names: short protein forms V249F.
Identifiers: ClinVar variation 3377550 (VCV003377550.1).

ClinVar aggregate classification (germline): Likely pathogenic (1 of 4 stars; one submission).

Conditions:
Haim-Munk syndrome (HMS). Also called: COCHIN JEWISH DISORDER; KERATOSIS PALMOPLANTARIS WITH PERIODONTOPATHIA AND ONYCHOGRYPOSIS. Identifiers: Orphanet 2342, MedGen C1855627, MONDO:0009491, OMIM 245010.

Submission:

Neuberg Centre For Genomic Medicine, NCGM
Classification: Likely pathogenic for Haim-Munk syndrome. Last evaluated: 2023-06-22. Review status: criteria provided, single submitter. Criteria: ACMG Guidelines, 2015. Collection method: clinical testing. Allele origin: germline. Inheritance: Autosomal recessive inheritance. Affected: yes.
Comment: The observed missense c.745G>T(p.Val249Phe) variant in CTSC gene has been reported in homozygous or compound heterozygous state in individuals affected with CTSC related disorder (Toomes C, et. al., 1999; Hart PS, et. al., 2000; Selvaraju V, et. al., 2003). The p.Val249Phe variant is absent in gnomAD Exomes database. This variant has not been reported to the ClinVar database. Multiple lines of computational evidence (Polyphen - Probably Damaging, SIFT - Damaging and MutationTaster - disease causing) predict damaging effect on protein structure and function for this variant. The reference amino acid in CTSC is predicted as conserved by GERP++ and PhyloP across 100 vertebrates. The amino acid Val at position 249 is changed to a Phe changing protein sequence and it might alter its composition and physico-chemical properties. For these reasons, this variant has been classified as Likely Pathogenic.